The following is an entry in ClinVar:

NM_003384.3(VRK1):c.242_243del (p.Phe81fs)

Gene: VRK1 (VRK serine/threonine kinase 1; plus strand). Cytogenetic location: 14q32.2.
Variant type: Deletion.
Coding change: c.242_243del on transcript NM_003384.3 (MANE Select); coding-DNA positions 242 to 243, 2 bases deleted (TT; older notation c.242_243delTT).
Protein change: p.Phe81fs; shifts the reading frame from phenylalanine 81.
Molecular consequence: frameshift variant.
Genome position (GRCh38, 1-based): chr14:96,846,120-96,846,121, TT deleted; deleting any 2 consecutive bases within chr14:96,846,117-96,846,121 gives the same sequence; the c. name uses the placement nearest the transcript's 3' end. VCF-style (leftmost placement, unchanged base first): chr14-96846116-CTT-C. GRCh37 (hg19) VCF-style: chr14-97312453-CTT-C.
Other names: c.242_243del, p.Phe81fs (NM_001411051.1, NM_001411053.1); short protein forms F81fs.
Identifiers: ClinVar variation 4815115 (VCV004815115.1).

ClinVar aggregate classification (germline): Likely pathogenic (1 of 4 stars; one submission).

Conditions:
Pontocerebellar hypoplasia type 1A (PCH1A). Also called: PONTOCEREBELLAR HYPOPLASIA WITH ANTERIOR HORN CELL DISEASE; PONTOCEREBELLAR HYPOPLASIA WITH INFANTILE SPINAL MUSCULAR ATROPHY. Identifiers: Orphanet 2254, Orphanet 88616, MedGen C1843504, MONDO:0011866, OMIM 607596.

Submission:

Natera, Inc.
Classification: Likely pathogenic for Pontocerebellar hypoplasia, type 1a. Last evaluated: 2025-05-05. Review status: criteria provided, single submitter. Criteria: Natera Variant Classification Schema (03/2026). Collection method: clinical testing. Allele origin: germline.
Comment: The c.242_243delTT variant in VRK1 is a frameshift variant predicted to shift the reading frame beginning at codon 81 and leads to a stop codon 2 codons downstream. This variant is expected to result in nonsense mediated decay, truncation, or a dysfunctional protein product. This variant is rare in the general population with a frequency below the threshold expected for the associated phenotype(s). Given the available evidence, this variant is classified as Likely Pathogenic.